The following is an entry in ClinVar:

NM_000245.4(MET):c.2642G>C (p.Ser881Thr)

Gene: MET (MET proto-oncogene, receptor tyrosine kinase; plus strand). Cytogenetic location: 7q31.2.
Variant type: single nucleotide variant.
Coding change: c.2642G>C on transcript NM_000245.4 (MANE Select); coding-DNA position 2642, G replaced by C.
Protein change: p.Ser881Thr; replaces serine 881 with threonine.
Molecular consequence: missense variant.
Genome position (GRCh38, 1-based): chr7:116,769,703, G>C. VCF-style: chr7-116769703-G-C. GRCh37 (hg19) VCF-style: chr7-116409757-G-C.
Other names: c.2696G>C, p.Ser899Thr (NM_001127500.3); c.2642G>C, p.Ser881Thr (NM_001324401.3); c.1352G>C, p.Ser451Thr (NM_001324402.2); short protein forms S899T, S451T, S881T.
Identifiers: ClinVar variation 4053930 (VCV004053930.1).

ClinVar aggregate classification (germline): Uncertain significance (1 of 4 stars; one submission).

Conditions:
Hereditary cancer-predisposing syndrome. Also called: Neoplastic Syndromes, Hereditary; Tumor predisposition; Hereditary neoplastic syndrome; Hereditary Cancer Syndrome. Identifiers: Orphanet 140162, MedGen C0027672, MeSH D009386, MONDO:0015356.

Submission:

Ambry Genetics
Classification: Uncertain significance for Hereditary cancer-predisposing syndrome. Last evaluated: 2025-03-30. Review status: criteria provided, single submitter. Criteria: Ambry Variant Classification Scheme 2023. Collection method: clinical testing. Allele origin: germline.
Comment: The p.S899T variant (also known as c.2696G>C), located in coding exon 11 of the MET gene, results from a G to C substitution at nucleotide position 2696. The serine at codon 899 is replaced by threonine, an amino acid with similar properties. This amino acid position is conserved. In addition, the in silico prediction for this alteration is inconclusive. Based on the available evidence, the clinical significance of this variant remains unclear.